The following is an entry in ClinVar:

ClinVar aggregate classification (germline): Likely benign (0 of 4 stars; one submission).

Conditions:
Polycystic kidney disease. Also called: Polycystic kidney dysplasia; Kidney, Polycystic. Identifiers: MedGen C0022680, MeSH D007690, MONDO:0020642, HP:0000113.

Allele frequency attached by ClinVar (database versions not stated): gnomAD exomes below 0.00001 and 0.00001; gnomAD 0.00001; TOPMed 0.00001.

Submission:

Department of Pathology and Laboratory Medicine, Sinai Health System
Classification: Likely benign for Polycystic Kidney disease. Review status: no assertion criteria provided. Collection method: clinical testing. Allele origin: unknown. Affected: yes. Study: The Canadian Open Genetics Repository (COGR).
Comment: The PKD1 p.Glu2150= variant was not identified in the literature nor was it identified in the dbSNP, ClinVar, LOVD 3.0, ADPKD Mutation Database or PKD1-LOVD databases. The variant was identified in control databases in 1 of 171910 chromosomes at a frequency of 0.000006 (Genome Aggregation Database Feb 27, 2017). The variant was observed in the following populations: European Non-Finnish in 1 of 69938 chromosomes (freq: 0.000014), while the variant was not observed in the African, Other, Latino, Ashkenazi Jewish, East Asian, European Finnish or South Asian populations. In addition we cannot be certain that data from control databases is specific to PKD1 and not from one of the six PKD1 pseudogenes. The p.Glu2150= variant is not expected to have clinical significance because it does not result in a change of amino acid and is not located in a known consensus splice site. In addition, in silico or computational prediction software programs (SpliceSiteFinder, MaxEntScan, NNSPLICE, GeneSplicer) do not predict a difference in splicing. The variant occurs outside of the splicing consensus sequence and in silico or computational prediction software programs (SpliceSiteFinder, MaxEntScan, NNSPLICE, GeneSplicer) do not predict a difference in splicing. In summary, based on the above information the clinical significance of this variant cannot be determined with certainty at this time although we would lean towards a more benign role for this variant. This variant is classified as likely benign.

NM_001009944.3(PKD1):c.6450G>A (p.Glu2150=)

Gene: PKD1 (polycystin 1, transient receptor potential channel interacting; minus strand). Cytogenetic location: 16p13.3.
Variant type: single nucleotide variant.
Coding change: c.6450G>A on transcript NM_001009944.3 (MANE Select); coding-DNA position 6450, G replaced by A.
Protein change: p.Glu2150=; no amino-acid change (glutamic acid 2150 retained).
Molecular consequence: synonymous variant.
Genome position (GRCh38, 1-based): chr16:2,108,717, C>T on the plus strand (G>A on the coding strand, the complement: PKD1 is on the minus strand). VCF-style: chr16-2108717-C-T. GRCh37 (hg19) VCF-style: chr16-2158718-C-T.
Other names: c.6450G>A, p.Glu2150= (NM_000296.4).
Identifiers: ClinVar variation 997189 (VCV000997189.1), dbSNP rs1257734818, ClinGen allele CA493047068.
Genomic context (GRCh38, chr16:2,108,717, plus strand): 5'-CTCCAAGTAGTTGCGCTGTGATCGCCGCATCAGCACCTGCAGGGGCAGGACCACGTCCAC[C>T]TCCGGCTCCCGGCAGGCCAGCACCTGGACGGTCACCGTGGCCTGCGCCACGAAGAAGCTC-3'
Protein context (NP_001009944.3, residues 2140-2160): TVQVLACREP[Glu2150=]VDVVLPLQVL